The following is an entry in ClinVar:

ClinVar aggregate classification (germline): Likely benign. Review status: criteria provided, multiple submitters, no conflicts (2 of 4 stars). 2 submissions from 2 submitters: Likely benign (2). Last evaluated 2023-03-01.

Submissions (2):

CeGaT Center for Human Genetics Tuebingen
Classification: Likely benign. Last evaluated: 2023-03-01. Review status: criteria provided, single submitter. Criteria: CeGaT Center For Human Genetics Tuebingen Variant Classification Criteria Version 2. Collection method: clinical testing. Allele origin: germline. Affected: yes. Observed: 3 variant alleles.
Comment: TGFBR2: BS1

GeneDx
Classification: Likely benign. Last evaluated: 2021-05-23. Review status: criteria provided, single submitter. Criteria: GeneDx Variant Classification Process June 2021. Collection method: clinical testing. Allele origin: germline. Affected: yes.

NM_003242.6(TGFBR2):c.*330_*331del

Gene: TGFBR2 (transforming growth factor beta receptor 2; plus strand). Cytogenetic location: 3p24.1.
Variant type: Deletion.
Coding change: c.*330_*331del on transcript NM_003242.6 (MANE Select); 330 bases downstream of the stop codon through 331 bases downstream of the stop codon, 2 bases deleted (CT; older notation c.*330_*331delCT).
Molecular consequence: 3 prime UTR variant.
Genome position (GRCh38, 1-based): chr3:30,691,929-30,691,930, CT deleted; deleting any 2 consecutive bases within chr3:30,691,928-30,691,930 gives the same sequence; the c. name uses the placement nearest the transcript's 3' end. VCF-style (leftmost placement, unchanged base first): chr3-30691927-ATC-A. GRCh37 (hg19) VCF-style: chr3-30733419-ATC-A.
Other names: c.*330_*331delCT (NM_001024847.3, NM_001407126.1, NM_001407127.1 and 11 more transcripts).
Identifiers: ClinVar variation 344672 (VCV000344672.35), dbSNP rs561991238, ClinGen allele CA10618026.